The following is an entry in ClinVar:

NM_002291.3(LAMB1):c.3206C>T (p.Ala1069Val)

Gene: LAMB1 (laminin subunit beta 1; minus strand). Cytogenetic location: 7q31.1.
Variant type: single nucleotide variant.
Coding change: c.3206C>T on transcript NM_002291.3 (MANE Select); coding-DNA position 3206, C replaced by T.
Protein change: p.Ala1069Val; replaces alanine 1069 with valine.
Molecular consequence: missense variant.
Genome position (GRCh38, 1-based): chr7:107,952,097, G>A on the plus strand (C>T on the coding strand, the complement: LAMB1 is on the minus strand). VCF-style: chr7-107952097-G-A. GRCh37 (hg19) VCF-style: chr7-107592542-G-A.
Other names: c.3206C>T (NM_002291.2); short protein forms A1069V.
Identifiers: ClinVar variation 1421336 (VCV001421336.9), dbSNP rs373108911, ClinGen allele CA4435404.
Genomic context (GRCh38, chr7:107,952,097, plus strand): 5'-GCAGCATTGCAGTTGCATGGGTCACAGCCAGTGCCACTGGCCAGCTGCCAGGTATTGGGC[G>A]CACAGCGGTCACAGTTCTGCCCGATCACATTAGGAAGACACAAGCACTGACCAGTGGCTT-3'
Protein context (NP_002282.2, residues 1059-1079): NVIGQNCDRC[Ala1069Val]PNTWQLASGT

ClinVar aggregate classification (germline): Uncertain significance. Review status: criteria provided, multiple submitters, no conflicts (2 of 4 stars). 3 submissions from 3 submitters: Uncertain significance (3). Last evaluated 2025-08-26.

Conditions:
Inborn genetic diseases. Identifiers: MedGen C0950123, MeSH D030342.

Allele frequency attached by ClinVar (database versions not stated): gnomAD exomes 0.00002 and 0.00003; ExAC 0.00003; TOPMed 0.00004; gnomAD 0.00005 and 0.00006; ESP Exome Variant Server 0.00008.
gnomAD v4.1: 48 of 1,613,996 alleles (0.003%); highest among the groups gnomAD compares: East Asian, 0.0045%; 1 homozygote.

Submissions (3):

Ambry Genetics
Classification: Uncertain significance for Inborn genetic diseases. Last evaluated: 2025-08-26. Review status: criteria provided, single submitter. Criteria: Ambry Variant Classification Scheme 2023. Collection method: clinical testing. Allele origin: germline.

Labcorp Genetics (formerly Invitae), Labcorp
Classification: Uncertain significance. Last evaluated: 2023-08-16. Review status: criteria provided, single submitter. Criteria: Invitae Variant Classification Sherloc (09022015). Collection method: clinical testing. Allele origin: germline.
Comment: This variant is present in population databases (rs373108911, gnomAD 0.005%). ClinVar contains an entry for this variant (Variation ID: 1421336). This variant has not been reported in the literature in individuals affected with LAMB1-related conditions. This sequence change replaces alanine, which is neutral and non-polar, with valine, which is neutral and non-polar, at codon 1069 of the LAMB1 protein (p.Ala1069Val). In summary, the available evidence is currently insufficient to determine the role of this variant in disease. Therefore, it has been classified as a Variant of Uncertain Significance. An algorithm developed to predict the effect of missense changes on protein structure and function (PolyPhen-2) suggests that this variant is likely to be disruptive.

GeneDx
Classification: Uncertain significance. Last evaluated: 2023-06-16. Review status: criteria provided, single submitter. Criteria: GeneDx Variant Classification Process June 2021. Collection method: clinical testing. Allele origin: germline. Affected: yes.
Comment: Has not been previously published as pathogenic or benign to our knowledge; Not observed at significant frequency in large population cohorts (gnomAD); In silico analysis supports that this missense variant has a deleterious effect on protein structure/function